The following is an entry in ClinVar:

NM_001370466.1(NOD2):c.2381+262C>G

Gene: NOD2 (nucleotide binding oligomerization domain containing 2; plus strand). Cytogenetic location: 16q12.1.
Variant type: single nucleotide variant.
Coding change: c.2381+262C>G on transcript NM_001370466.1 (MANE Select); 262 bases into the intron after coding-DNA position 2381, C replaced by G.
Molecular consequence: intron variant.
Genome position (GRCh38, 1-based): chr16:50,712,635, C>G. VCF-style: chr16-50712635-C-G. GRCh37 (hg19) VCF-style: chr16-50746546-C-G.
Other names: c.2462+262C>G (NM_022162.3); c.2381+262C>G (NM_001293557.2).
Identifiers: ClinVar variation 1237708 (VCV001237708.6), dbSNP rs4785225, ClinGen allele CA14246352.
Genomic context (GRCh38, chr16:50,712,635, plus strand): 5'-TGCTGGGTCTGGTGCTATGCTTTCCGGAATGACCTCATCTAATCTCTACAACCACCCTGG[C>G]GGGTAGGCAGGAATGTTATTATCTCCATTATCCTTGACTTGAGGCTCAGAGAAGTGAAGT-3'

ClinVar aggregate classification (germline): Benign. Review status: criteria provided, multiple submitters, no conflicts (2 of 4 stars). 3 submissions from 3 submitters: Benign (3). Last evaluated 2024-01-24.

Allele frequency attached by ClinVar (database versions not stated): TOPMed 0.60458; 1000 Genomes Project 30x 0.46002; 1000 Genomes Project 0.45088.

Submissions (3):

Unidad de Genómica Garrahan, Hospital de Pediatría Garrahan
Classification: Benign. Last evaluated: 2024-01-24. Review status: criteria provided, single submitter. Criteria: ACMG Guidelines, 2015. Collection method: clinical testing. Allele origin: germline. Affected: no. Observed: 78 variant alleles.
Comment: This variant is classified as Benign based on local population frequency. This variant was detected in 82% of patients studied by a panel of primary immunodeficiencies. Number of patients: 78. Only high quality variants are reported.

GeneDx
Classification: Benign. Last evaluated: 2018-11-10. Review status: criteria provided, single submitter. Criteria: GeneDx Variant Classification Process June 2021. Collection method: clinical testing. Allele origin: germline. Affected: yes.

Breakthrough Genomics
Classification: Benign. Review status: criteria provided, single submitter. Criteria: ACMG Guidelines, 2015. Collection method: not provided. Allele origin: germline. Inheritance: Multifactorial inheritance. Affected: yes.